The following is an entry in ClinVar:

NM_000484.4(APP):c.1748A>G (p.Glu583Gly)

Gene: APP (amyloid beta precursor protein; minus strand). Cytogenetic location: 21q21.3.
Variant type: single nucleotide variant.
Coding change: c.1748A>G on transcript NM_000484.4 (MANE Select); coding-DNA position 1748, A replaced by G.
Protein change: p.Glu583Gly; replaces glutamic acid 583 with glycine.
Molecular consequence: missense variant.
Genome position (GRCh38, 1-based): chr21:25,911,902, T>C on the plus strand (A>G on the coding strand, the complement: APP is on the minus strand). VCF-style: chr21-25911902-T-C. GRCh37 (hg19) VCF-style: chr21-27284214-T-C.
Other names: c.1676A>G, p.Glu559Gly (NM_001136016.3); c.1355A>G, p.Glu452Gly (NM_001136129.3); c.1580A>G, p.Glu527Gly (NM_001136130.3, NM_001385253.1); c.1418A>G, p.Glu473Gly (NM_001136131.3); c.1748A>G, p.Glu583Gly (NM_001204301.2); c.1691A>G, p.Glu564Gly (NM_001204302.2, NM_201413.3); c.1523A>G, p.Glu508Gly (NM_001204303.2, NM_201414.3); short protein forms E452G, E508G, E583G, E473G, E527G, E559G, E564G.
Identifiers: ClinVar variation 1357546 (VCV001357546.8), dbSNP rs778495527, ClinGen allele CA9987208.

ClinVar aggregate classification (germline): Uncertain significance (1 of 4 stars; one submission).

Conditions:
Alzheimer disease. Also called: Presenile and senile dementia; Alzheimer's disease. Identifiers: Orphanet 1020, MedGen C0002395, MeSH D000544, MONDO:0004975, HP:0002511.

Allele frequency attached by ClinVar (database versions not stated): ExAC 0.00001; TOPMed 0.00002.

Submission:

Labcorp Genetics (formerly Invitae), Labcorp
Classification: Uncertain significance for Alzheimer disease. Last evaluated: 2023-08-25. Review status: criteria provided, single submitter. Criteria: Invitae Variant Classification Sherloc (09022015). Collection method: clinical testing. Allele origin: germline.
Comment: In summary, the available evidence is currently insufficient to determine the role of this variant in disease. Therefore, it has been classified as a Variant of Uncertain Significance. Advanced modeling of protein sequence and biophysical properties (such as structural, functional, and spatial information, amino acid conservation, physicochemical variation, residue mobility, and thermodynamic stability) performed at Invitae indicates that this missense variant is not expected to disrupt APP protein function. ClinVar contains an entry for this variant (Variation ID: 1357546). This variant has not been reported in the literature in individuals affected with APP-related conditions. This variant is not present in population databases (gnomAD no frequency). This sequence change replaces glutamic acid, which is acidic and polar, with glycine, which is neutral and non-polar, at codon 583 of the APP protein (p.Glu583Gly).